The following is an entry in ClinVar:

ClinVar aggregate classification (germline): Uncertain significance (1 of 4 stars; one submission).

gnomAD v4.1: 3 of 1,613,408 alleles (0.00019%); highest among the groups gnomAD compares: Non-Finnish European, 0.00025%; no homozygotes.

Submission:

CeGaT Center for Human Genetics Tuebingen
Classification: Uncertain significance. Last evaluated: 2023-04-01. Review status: criteria provided, single submitter. Criteria: CeGaT Center For Human Genetics Tuebingen Variant Classification Criteria Version 2. Collection method: clinical testing. Allele origin: germline. Affected: yes. Observed: 1 variant allele.
Comment: ERC1: PM2, PVS1:Moderate

NM_178040.4(ERC1):c.3214-1G>A

Gene: ERC1 (ELKS/RAB6-interacting/CAST family member 1; plus strand). Cytogenetic location: 12p13.33.
Variant type: single nucleotide variant.
Coding change: c.3214-1G>A on transcript NM_178040.4 (MANE Select); the canonical splice acceptor site of the intron before coding-DNA position 3214, G replaced by A.
Molecular consequence: splice acceptor variant.
Genome position (GRCh38, 1-based): chr12:1,490,092, G>A. VCF-style: chr12-1490092-G-A. GRCh37 (hg19) VCF-style: chr12-1599258-G-A.
Other names: c.3130-1G>A (NM_178039.4); c.*9-1G>A (NM_001301248.1).
Identifiers: ClinVar variation 2642569 (VCV002642569.24), dbSNP rs2510720293, ClinGen allele CA383649856.
Genomic context (GRCh38, chr12:1,490,092, plus strand): 5'-TTCTTAGCTCAGTGCAAATGGGATTGTTGTATCTGAAATCCATCTCTCCTTTCCCTTTCA[G>A]CTTCAGGATGAGTTAGAGAAAGGTGAACGGGACAATGCAGAACTGCAGGAGTTTGCCAAC-3'